The following is an entry in ClinVar:

NM_001492.6(GDF1):c.1066G>A (p.Val356Met)

Genes: CERS1 (ceramide synthase 1; minus strand), GDF1 (growth differentiation factor 1; minus strand). Cytogenetic location: 19p13.11.
Variant type: single nucleotide variant.
Coding change: c.1066G>A on transcript NM_001492.6 (MANE Select); coding-DNA position 1066, G replaced by A.
Protein change: p.Val356Met; replaces valine 356 with methionine.
Molecular consequence: missense variant. On other transcripts: 3 prime UTR variant (2).
Genome position (GRCh38, 1-based): chr19:18,868,650, C>T on the plus strand (G>A on the coding strand, the complement: GDF1 is on the minus strand). VCF-style: chr19-18868650-C-T. GRCh37 (hg19) VCF-style: chr19-18979459-C-T.
Other names: c.*1927G>A (NM_001387440.1); c.*1335G>A (NM_021267.5); c.1066G>A, p.Val356Met (NM_001387438.1); short protein forms V356M.
Identifiers: ClinVar variation 3367614 (VCV003367614.1).
Genomic context (GRCh38, chr19:18,868,650, plus strand): 5'-CCCCGGGTTAGCGGCAGCCGCACTCGTCCACCACCATGTCCTCATACTGCCGCAGCACCA[C>T]GTTGTCGCTGTTGTCAAAGAAGAGCACGGAGATGGGCGACAGGCGCGCGGGCACGCAGCA-3'
Protein context (NP_001483.3, residues 346-366): SVLFFDNSDN[Val356Met]VLRQYEDMVV

ClinVar aggregate classification (germline): Uncertain significance (1 of 4 stars; one submission).

gnomAD v4.1: 1 of 1,575,592 alleles (0.000063%); highest among the groups gnomAD compares: Non-Finnish European, 0.000086%; no homozygotes.

Submission:

GeneDx
Classification: Uncertain significance. Last evaluated: 2024-01-05. Review status: criteria provided, single submitter. Criteria: GeneDx Variant Classification Process June 2021. Collection method: clinical testing. Allele origin: germline. Affected: yes.
Comment: Not observed at significant frequency in large population cohorts (gnomAD); In silico analysis supports that this missense variant has a deleterious effect on protein structure/function; Has not been previously published as pathogenic or benign to our knowledge